The following is an entry in ClinVar:

ClinVar aggregate classification (germline): Uncertain significance (1 of 4 stars; one submission).

Conditions:
KCNQ5-related disorder. Also called: KCNQ5-related condition.

Submission:

PreventionGenetics, part of Exact Sciences
Classification: Uncertain significance for KCNQ5-related condition. Last evaluated: 2022-11-01. Review status: criteria provided, single submitter. Criteria: ACMG Guidelines, 2015. Collection method: clinical testing. Allele origin: germline.
Comment: The KCNQ5 c.244A>T variant is predicted to result in premature protein termination (p.Lys82*). To our knowledge, this variant has not been reported in the literature or in a large population database, indicating this variant is rare. Although protein terminating variants have recently been reported in patients (Wei et al. 2022. PubMed ID: 35583973), none were found upstream of the c.244A>T (p.Lys82*). Although we suspect that this variant may be pathogenic, at this time, the clinical significance of this variant is uncertain due to the absence of conclusive functional and genetic evidence.

NM_019842.4(KCNQ5):c.244A>T (p.Lys82Ter)

Genes: KCNQ5 (potassium voltage-gated channel subfamily Q member 5; plus strand), KCNQ5-DT (KCNQ5 divergent transcript; minus strand). Cytogenetic location: 6q13.
Variant type: single nucleotide variant.
Coding change: c.244A>T on transcript NM_019842.4 (MANE Select); coding-DNA position 244, A replaced by T.
Protein change: p.Lys82Ter; replaces lysine 82 with a stop codon.
Molecular consequence: nonsense.
Genome position (GRCh38, 1-based): chr6:72,622,433, A>T. VCF-style: chr6-72622433-A-T. GRCh37 (hg19) VCF-style: chr6-73332161-A-T.
Other names: c.244A>T, p.Lys82Ter (NM_001160130.2, NM_001160132.2, NM_001160133.2 and 1 more transcripts); short protein forms K82*.
Identifiers: ClinVar variation 2628769 (VCV002628769.1), dbSNP rs2481569044, ClinGen allele CA364824433.
Genomic context (GRCh38, chr6:72,622,433, plus strand): 5'-GGCACCCGCGCGGCCACGCTCGGTGGCGGCGGCGGTGGCCTGAGGGAGAGCCGCCGGGGC[A>T]AGCAGGGGGCCCGGATGAGCCTGCTGGGGAAGCCGCTCTCTTACACGAGTAGCCAGAGCT-3'